The following is an entry in ClinVar:

NM_015338.6(ASXL1):c.2642G>A (p.Arg881Lys)

Gene: ASXL1 (ASXL transcriptional regulator 1; plus strand). Cytogenetic location: 20q11.21.
Variant type: single nucleotide variant.
Coding change: c.2642G>A on transcript NM_015338.6 (MANE Select); coding-DNA position 2642, G replaced by A.
Protein change: p.Arg881Lys; replaces arginine 881 with lysine.
Molecular consequence: missense variant.
Genome position (GRCh38, 1-based): chr20:32,435,354, G>A. VCF-style: chr20-32435354-G-A. GRCh37 (hg19) VCF-style: chr20-31023157-G-A.
Other names: c.2459G>A, p.Arg820Lys (NM_001363734.1); short protein forms R820K, R881K.
Identifiers: ClinVar variation 5030292 (VCV005030292.1).

ClinVar aggregate classification (germline): Uncertain significance (1 of 4 stars; one submission).

Conditions:
Inborn genetic diseases. Identifiers: MedGen C0950123, MeSH D030342.

Submission:

Ambry Genetics
Classification: Uncertain significance for Inborn genetic diseases. Last evaluated: 2026-08-12. Review status: criteria provided, single submitter. Criteria: Ambry Variant Classification Scheme 2023. Collection method: clinical testing. Allele origin: germline.
Comment: The p.R881K variant (also known as c.2642G>A), located in coding exon 13 of the ASXL1 gene, results from a G to A substitution at nucleotide position 2642. The arginine at codon 881 is replaced by lysine, an amino acid with highly similar properties. This amino acid position is conserved. In addition, this alteration is predicted to be tolerated by in silico analysis. Based on the available evidence, the clinical significance of this variant remains unclear.